The following is an entry in ClinVar:

ClinVar aggregate classification (germline): Likely pathogenic (1 of 4 stars; one submission).

Conditions:
Autosomal recessive Alport syndrome (ATS2). Also called: ALPORT SYNDROME 2, AUTOSOMAL RECESSIVE; Alport syndrome type 2; COL4A4 Alport Syndrome and Thin Basement Membrane Nephropathy; COL4A3-Related Nephropathy. Identifiers: Orphanet 63, Orphanet 88919, MedGen C4746745, MONDO:0008762, OMIM 203780.

Submission:

Myriad Genetics, Inc.
Classification: Likely pathogenic for Autosomal recessive Alport syndrome. Last evaluated: 2019-12-11. Review status: criteria provided, single submitter. Criteria: Myriad Women's Health Autosomal Recessive and X-Linked Classification Criteria (2019). Collection method: clinical testing. Allele origin: unknown.
Comment: NM_000091.4(COL4A3):c.1531G>T(G511*) is expected to be pathogenic in the context of COL4A3-related Alport syndrome. This variant is predicted to lead to an abnormal or absent protein product due to the creation of a premature termination codon in COL4A3, a gene where loss-of-function variants are known to be pathogenic. Please note: this variant was assessed in the context of healthy population screening.

NM_000091.5(COL4A3):c.1531G>T (p.Gly511Ter)

Genes: MFF-DT (MFF divergent transcript; minus strand), COL4A3 (collagen type IV alpha 3 chain; plus strand). Cytogenetic location: 2q36.3.
Variant type: single nucleotide variant.
Coding change: c.1531G>T on transcript NM_000091.5 (MANE Select); coding-DNA position 1531, G replaced by T.
Protein change: p.Gly511Ter; replaces glycine 511 with a stop codon.
Molecular consequence: nonsense.
Genome position (GRCh38, 1-based): chr2:227,269,936, G>T. VCF-style: chr2-227269936-G-T. GRCh37 (hg19) VCF-style: chr2-228134652-G-T.
Other names: short protein forms G511*.
Identifiers: ClinVar variation 984357 (VCV000984357.3), dbSNP rs921768118, ClinGen allele CA350871212.
Genomic context (GRCh38, chr2:227,269,936, plus strand): 5'-ATGAGGAGTTAGTTAATAATTCGTTGATTTGCAGGAAGACAAGGCGCAGCTGGCTTGAAA[G>T]GAAGCCCAGGGTCCCCAGGAAATACAGGTCTTCCAGGATTTCCAGTAAGATTTCATGTTT-3'